The following is an entry in ClinVar:

NM_006035.4(CDC42BPB):c.3151C>T (p.Arg1051Trp)

Gene: CDC42BPB (CDC42 binding protein kinase beta; minus strand). Cytogenetic location: 14q32.32.
Variant type: single nucleotide variant.
Coding change: c.3151C>T on transcript NM_006035.4 (MANE Select); coding-DNA position 3151, C replaced by T.
Protein change: p.Arg1051Trp; replaces arginine 1051 with tryptophan.
Molecular consequence: missense variant.
Genome position (GRCh38, 1-based): chr14:102,952,519, G>A on the plus strand (C>T on the coding strand, the complement: CDC42BPB is on the minus strand). VCF-style: chr14-102952519-G-A. GRCh37 (hg19) VCF-style: chr14-103418856-G-A.
Other names: c.3073C>T, p.Arg1025Trp (NM_001411054.1); short protein forms R1051W, R1025W.
Identifiers: ClinVar variation 3730957 (VCV003730957.1).
Genomic context (GRCh38, chr14:102,952,519, plus strand): 5'-GCTGTGCACGCTGACCCCAGGAGCTGCAACGACACTCACCCTCGCAGGCGTAGCCCTGCC[G>A]GATCAGCCCAACCATCAGGGAGGTGCAGTGGCTGCACTGAGTAGGGCTGGAGAAGGACTT-3'
Protein context (NP_006026.3, residues 1041-1061): HCTSLMVGLI[Arg1051Trp]QGYACEVCSF

ClinVar aggregate classification (germline): Uncertain significance (1 of 4 stars; one submission).

Submission:

GeneDx
Classification: Uncertain significance. Last evaluated: 2024-08-07. Review status: criteria provided, single submitter. Criteria: GeneDx Variant Classification Process June 2021. Collection method: clinical testing. Allele origin: germline. Affected: yes.
Comment: Not observed at significant frequency in large population cohorts (gnomAD); In silico analysis supports that this missense variant has a deleterious effect on protein structure/function; Has not been previously published as pathogenic or benign to our knowledge